The following is an entry in ClinVar:

ClinVar aggregate classification (germline): Pathogenic (1 of 4 stars; one submission).

Submission:

GeneDx
Classification: Pathogenic. Last evaluated: 2025-03-20. Review status: criteria provided, single submitter. Criteria: GeneDx Variant Classification Process June 2021. Collection method: clinical testing. Allele origin: germline. Affected: yes.
Comment: Nonsense variant predicted to result in protein truncation or nonsense mediated decay in a gene for which loss of function is a known mechanism of disease; Not observed at significant frequency in large population cohorts (gnomAD); Has not been previously published as pathogenic or benign to our knowledge

NM_001394998.1(TANC2):c.94C>T (p.Arg32Ter)

Gene: TANC2 (tetratricopeptide repeat, ankyrin repeat and coiled-coil containing 2; plus strand). Cytogenetic location: 17q23.2.
Variant type: single nucleotide variant.
Coding change: c.94C>T on transcript NM_001394998.1 (MANE Select); coding-DNA position 94, C replaced by T.
Protein change: p.Arg32Ter; replaces arginine 32 with a stop codon.
Molecular consequence: nonsense.
Genome position (GRCh38, 1-based): chr17:63,073,969, C>T. VCF-style: chr17-63073969-C-T. GRCh37 (hg19) VCF-style: chr17-61151330-C-T.
Other names: c.94C>T, p.Arg32Ter (NM_025185.4); short protein forms R32*.
Identifiers: ClinVar variation 1316038 (VCV001316038.4), dbSNP rs1468782400, ClinGen allele CA400791970.
Genomic context (GRCh38, chr17:63,073,969, plus strand): 5'-TCTATTTGCTTATGCTCCTTTTAATTTTATGCAGATGGAGGGAGCGAGGAACCACCGGAT[C>T]GAAGACAGTCAAGTGTAGACTCTCGCCAAAGCCGCTCTGGGCAAGGTAAATTTTCATCAG-3'